The following is an entry in ClinVar:

ClinVar aggregate classification (germline): Uncertain significance (1 of 4 stars; one submission).

Allele frequency attached by ClinVar (database versions not stated): gnomAD 0.00007; ESP Exome Variant Server 0.00008; gnomAD exomes 0.00009 and 0.00012; ExAC 0.00010; TOPMed 0.00011; 1000 Genomes Project 0.00020; 1000 Genomes Project 30x 0.00031.
gnomAD v4.1: 189 of 1,612,006 alleles (0.012%); highest among the groups gnomAD compares: Admixed American, 0.028%; no homozygotes.

Submission:

Labcorp Genetics (formerly Invitae), Labcorp
Classification: Uncertain significance. Last evaluated: 2026-01-06. Review status: criteria provided, single submitter. Criteria: Invitae Variant Classification Sherloc (09022015). Collection method: clinical testing. Allele origin: germline.
Comment: This sequence change falls in intron 7 of the CD46 gene. It does not directly change the encoded amino acid sequence of the CD46 protein. It affects a nucleotide within the consensus splice site. This variant is present in population databases (rs199930181, gnomAD 0.02%). This variant has not been reported in the literature in individuals affected with CD46-related conditions. ClinVar contains an entry for this variant (Variation ID: 1056105). Variants that disrupt the consensus splice site are a relatively common cause of aberrant splicing (PMID: 17576681, 9536098). Algorithms developed to predict the effect of sequence changes on RNA splicing suggest that this variant is not likely to affect RNA splicing. In summary, the available evidence is currently insufficient to determine the role of this variant in disease. Therefore, it has been classified as a Variant of Uncertain Significance.

Literature cited by the submitters: PubMed 17576681; PubMed 9536098.

NM_172351.3(CD46):c.857-122G>A

Gene: CD46 (CD46 molecule; plus strand). Cytogenetic location: 1q32.2.
Variant type: single nucleotide variant.
Coding change: c.857-122G>A on transcript NM_172351.3 (MANE Select); 122 bases into the intron before coding-DNA position 857, G replaced by A.
Molecular consequence: intron variant.
Genome position (GRCh38, 1-based): chr1:207,767,657, G>A. VCF-style: chr1-207767657-G-A. GRCh37 (hg19) VCF-style: chr1-207941002-G-A.
Other names: c.901+6G>A (NM_002389.4, NM_172359.3); c.857-122G>A (NM_153826.4, NM_172358.3, NM_172355.3 and 1 more transcripts); c.856+462G>A (NM_172352.3, NM_172353.3, NM_172350.3 and 2 more transcripts).
Identifiers: ClinVar variation 1056105 (VCV001056105.7), dbSNP rs199930181, ClinGen allele CA1371767.